The following is an entry in ClinVar:

NM_000161.3(GCH1):c.481C>A (p.Gln161Lys)

Gene: GCH1 (GTP cyclohydrolase 1; minus strand). Cytogenetic location: 14q22.2.
Variant type: single nucleotide variant.
Coding change: c.481C>A on transcript NM_000161.3 (MANE Select); coding-DNA position 481, C replaced by A.
Protein change: p.Gln161Lys; replaces glutamine 161 with lysine.
Molecular consequence: missense variant.
Genome position (GRCh38, 1-based): chr14:54,859,709, G>T on the plus strand (C>A on the coding strand, the complement: GCH1 is on the minus strand). VCF-style: chr14-54859709-G-T. GRCh37 (hg19) VCF-style: chr14-55326427-G-T.
Other names: c.481C>A, p.Gln161Lys (NM_001024024.2, NM_001024070.2, NM_001024071.2); short protein forms Q161K.
Identifiers: ClinVar variation 1700876 (VCV001700876.2), dbSNP rs1242519962, ClinGen allele CA389788401.
Genomic context (GRCh38, chr14:54,859,709, plus strand): 5'-TGTATTCTTGTTCACTGCACAGTCACACTTACCTCGCAAGTTTGCTGAGGCCAAGGACTT[G>T]CTTGTTAGGAAGATAACCAATATGGACCTTCAGAGAAGAGACGGAAATCATTAGCTGAGT-3'
Protein context (NP_000152.1, residues 151-171): KVHIGYLPNK[Gln161Lys]VLGLSKLARI

ClinVar aggregate classification (germline): Uncertain significance (1 of 4 stars; one submission).

Allele frequency attached by ClinVar (database versions not stated): gnomAD exomes below 0.00001.
gnomAD v4.1: 1 of 1,601,654 alleles (0.000062%); highest among the groups gnomAD compares: Admixed American, 0.0017%; no homozygotes.

Submission:

GeneDx
Classification: Uncertain significance. Last evaluated: 2022-02-14. Review status: criteria provided, single submitter. Criteria: GeneDx Variant Classification Process June 2021. Collection method: clinical testing. Allele origin: germline. Affected: yes.
Comment: Not observed at significant frequency in large population cohorts (gnomAD); In silico analysis supports that this missense variant does not alter protein structure/function; Has not been previously published as pathogenic or benign to our knowledge